The following is an entry in ClinVar:

NM_198252.3(GSN):c.1858G>A (p.Ala620Thr)

Gene: GSN (gelsolin; plus strand). Cytogenetic location: 9q33.2.
Variant type: single nucleotide variant.
Coding change: c.1858G>A on transcript NM_198252.3 (MANE Select); coding-DNA position 1858, G replaced by A.
Protein change: p.Ala620Thr; replaces alanine 620 with threonine.
Molecular consequence: missense variant.
Genome position (GRCh38, 1-based): chr9:121,328,986, G>A. VCF-style: chr9-121328986-G-A. GRCh37 (hg19) VCF-style: chr9-124091264-G-A.
Other names: c.1858G>A, p.Ala620Thr (NM_001353058.2, NM_001353059.2, NM_001353060.2 and 10 more transcripts); c.1891G>A, p.Ala631Thr (NM_001353063.2, NM_001353064.2, NM_001353065.2 and 13 more transcripts); c.2011G>A, p.Ala671Thr (NM_000177.5); c.1966G>A, p.Ala656Thr (NM_001127663.2); c.1909G>A, p.Ala637Thr (NM_001258029.2); c.1882G>A, p.Ala628Thr (NM_001258030.2); c.1930G>A, p.Ala644Thr (NM_001353076.2); c.1204G>A, p.Ala402Thr (NM_001353078.2); short protein forms A628T, A656T, A671T, A631T, A402T, A620T, A637T, A644T.
Identifiers: ClinVar variation 2011380 (VCV002011380.4), dbSNP rs755089827, ClinGen allele CA5221434.

ClinVar aggregate classification (germline): Uncertain significance (1 of 4 stars; one submission).

Allele frequency attached by ClinVar (database versions not stated): TOPMed below 0.00001; ExAC 0.00001; gnomAD exomes 0.00002.
gnomAD v4.1: 9 of 1,613,938 alleles (0.00056%); highest among the groups gnomAD compares: Non-Finnish European, 0.00076%; no homozygotes.

Submission:

Labcorp Genetics (formerly Invitae), Labcorp
Classification: Uncertain significance. Last evaluated: 2024-11-24. Review status: criteria provided, single submitter. Criteria: Invitae Variant Classification Sherloc (09022015). Collection method: clinical testing. Allele origin: germline.
Comment: This sequence change replaces alanine, which is neutral and non-polar, with threonine, which is neutral and polar, at codon 671 of the GSN protein (p.Ala671Thr). This variant is present in population databases (rs755089827, gnomAD 0.003%). This variant has not been reported in the literature in individuals affected with GSN-related conditions. ClinVar contains an entry for this variant (Variation ID: 2011380). Invitae Evidence Modeling of protein sequence and biophysical properties (such as structural, functional, and spatial information, amino acid conservation, physicochemical variation, residue mobility, and thermodynamic stability) has been performed for this missense variant. However, the output from this modeling did not meet the statistical confidence thresholds required to predict the impact of this variant on GSN protein function. In summary, the available evidence is currently insufficient to determine the role of this variant in disease. Therefore, it has been classified as a Variant of Uncertain Significance.